The following is an entry in ClinVar:

ClinVar aggregate classification (germline): Uncertain significance (1 of 4 stars; one submission).

Submission:

GeneDx
Classification: Uncertain significance. Last evaluated: 2019-08-13. Review status: criteria provided, single submitter. Criteria: GeneDx Variant Classification Process June 2021. Collection method: clinical testing. Allele origin: germline. Affected: yes.
Comment: Not observed in large population cohorts (Lek et al., 2016); In silico analysis, which includes protein predictors and evolutionary conservation, supports that this variant does not alter protein structure/function; Has not been previously published as pathogenic or benign to our knowledge

NM_139276.3(STAT3):c.2248G>C (p.Gly750Arg)

Gene: STAT3 (signal transducer and activator of transcription 3; minus strand). Cytogenetic location: 17q21.2.
Variant type: single nucleotide variant.
Coding change: c.2248G>C on transcript NM_139276.3 (MANE Select); coding-DNA position 2248, G replaced by C.
Protein change: p.Gly750Arg; replaces glycine 750 with arginine.
Molecular consequence: missense variant. On other transcripts: 3 prime UTR variant (7).
Genome position (GRCh38, 1-based): chr17:42,316,798, C>G on the plus strand (G>C on the coding strand, the complement: STAT3 is on the minus strand). VCF-style: chr17-42316798-C-G. GRCh37 (hg19) VCF-style: chr17-40468816-C-G.
Other names: c.2248G>C, p.Gly750Arg (NM_001369512.1, NM_001369513.1); c.2245G>C, p.Gly749Arg (NM_001369514.1, NM_001369516.1, NM_003150.4); c.*29G>C (NM_001369517.1, NM_001369518.1, NM_001369519.1 and 4 more transcripts); c.2164G>C, p.Gly722Arg (NM_001384984.1); c.2170G>C, p.Gly724Arg (NM_001384985.1); c.2227G>C, p.Gly743Arg (NM_001384987.1); c.2152G>C, p.Gly718Arg (NM_001384988.1); c.2149G>C, p.Gly717Arg (NM_001384989.1); and 3 more; short protein forms G717R, G718R, G722R, G724R, G730R, G741R, G743R, G746R.
Identifiers: ClinVar variation 1307644 (VCV001307644.2), dbSNP rs2144617568, ClinGen allele CA399579791.